The following is an entry in ClinVar:

ClinVar aggregate classification (germline): Pathogenic/Likely pathogenic. Review status: criteria provided, multiple submitters, no conflicts (2 of 4 stars). 8 submissions from 8 submitters: Pathogenic (6); Likely pathogenic (1). 1 of the submissions does not count toward it. Last evaluated 2025-09-05.

Conditions:
Neuromuscular disease caused by qualitative or quantitative defects of dysferlin. Also called: Dysferlinopathy; Qualitative or quantitative defects of dysferlin. Identifiers: Orphanet 207073, MedGen C2931687, MONDO:0016145.
DYSF-related disorder. Also called: DYSF-related disorders; DYSF-related condition.
Distal myopathy with anterior tibial onset. Identifiers: Orphanet 178400, MedGen C1847532, MONDO:0011721, OMIM 606768.
Miyoshi muscular dystrophy 1 (MMD1). Identifiers: Orphanet 45448, MedGen C4551973, MONDO:0024545, OMIM 254130.
Autosomal recessive limb-girdle muscular dystrophy type 2B (LGMDR2). Also called: Limb-girdle muscular dystrophy, type 2B; MUSCULAR DYSTROPHY, LIMB-GIRDLE, TYPE 3; Limb-Girdle Muscular Dystrophy Type 2B (LGMD2B); MUSCULAR DYSTROPHY, LIMB-GIRDLE, AUTOSOMAL RECESSIVE 2. Identifiers: Orphanet 268, MedGen C1850889, MONDO:0009676, OMIM 253601.

Allele frequency attached by ClinVar (database versions not stated): gnomAD exomes below 0.00001.
gnomAD v4.1: 1 of 1,614,042 alleles (0.000062%); highest among the groups gnomAD compares: Non-Finnish European, 0.000085%; no homozygotes.

Submissions (8):

3billion
Classification: Pathogenic for DYSF-related disorder. Last evaluated: 2025-09-05. Review status: criteria provided, single submitter. Criteria: ACMG Guidelines, 2015. Collection method: clinical testing. Allele origin: germline. Affected: yes.
Comment: The variant is observed at an extremely low frequency in the gnomAD v4.1.0 dataset (total allele frequency: <0.001%). Predicted Consequence/Location: Stop-gained (nonsense): predicted to result in a loss or disruption of normal protein function through nonsense-mediated decay (NMD) or protein truncation. Multiple pathogenic variants are reported downstream of the variant. The variant has been reported at least twice as pathogenic with clinical assertions and evidence for the classification (ClinVar ID: VCV000419655). Therefore, this variant is classified as Pathogenic according to the recommendation of ACMG/AMP guideline.

Natera, Inc.
Classification: Pathogenic for Limb-girdle muscular dystrophy type 2B. Last evaluated: 2025-07-28. Review status: criteria provided, single submitter. Criteria: Natera Variant Classification Schema (03/2026). Collection method: clinical testing. Allele origin: germline.
Comment: The c.5884C>T variant in DYSF is a nonsense variant predicted to introduce a stop codon at amino acid 1962. This variant is expected to result in nonsense mediated decay, truncation, or a dysfunctional protein product. This variant is rare in the general population with a frequency below the threshold expected for the associated phenotype(s). This variant has been observed in one or more individuals affected with the associated recessive disease, as either homozygous or compound heterozygous with a second variant (PMID: 21816046, 27647186). Given the available evidence, this variant is classified as Pathogenic.

Fulgent Genetics
Classification: Likely pathogenic for Autosomal recessive limb-girdle muscular dystrophy type 2B; Miyoshi muscular dystrophy 1; Distal myopathy with anterior tibial onset. Last evaluated: 2024-05-14. Review status: criteria provided, single submitter. Criteria: ACMG Guidelines, 2015. Collection method: clinical testing. Allele origin: germline.

Labcorp Genetics (formerly Invitae), Labcorp
Classification: Pathogenic for Neuromuscular disease caused by qualitative or quantitative defects of dysferlin. Last evaluated: 2023-09-18. Review status: criteria provided, single submitter. Criteria: Invitae Variant Classification Sherloc (09022015). Collection method: clinical testing. Allele origin: germline.
Comment: This variant is not present in population databases (gnomAD no frequency). This sequence change creates a premature translational stop signal (p.Gln1962*) in the DYSF gene. It is expected to result in an absent or disrupted protein product. Loss-of-function variants in DYSF are known to be pathogenic (PMID: 17698709, 20301480). For these reasons, this variant has been classified as Pathogenic. Algorithms developed to predict the effect of sequence changes on RNA splicing suggest that this variant may create or strengthen a splice site. ClinVar contains an entry for this variant (Variation ID: 419655). This premature translational stop signal has been observed in individual(s) with DYSF-related conditions (PMID: 20544924).

Kariminejad - Najmabadi Pathology & Genetics Center
Classification: Pathogenic for Miyoshi muscular dystrophy 1; Autosomal recessive limb-girdle muscular dystrophy type 2B; Distal myopathy with anterior tibial onset. Last evaluated: 2023-04-16. Review status: criteria provided, single submitter. Criteria: ACMG Guidelines, 2015. Collection method: clinical testing. Allele origin: germline. Inheritance: Autosomal recessive inheritance. Affected: yes.
Comment: PVS1(Very Strong),PP5,PM2

Revvity Omics, Revvity
Classification: Pathogenic. Last evaluated: 2021-05-04. Review status: criteria provided, single submitter. Criteria: ACMG Guidelines, 2015. Collection method: clinical testing. Allele origin: germline.

GeneDx
Classification: Pathogenic. Last evaluated: 2018-03-26. Review status: criteria provided, single submitter. Criteria: GeneDx Variant Classification (06012015). Collection method: clinical testing. Allele origin: germline. Affected: yes.
Comment: The Q1962X nonsense variant in the DYSF gene has been reported previously in two brothers with dysferlinopathywho were compound heterozygous for Q1962X and another DYSF variant (Rosales et al.,2010). One study indicated Q1962X induced a large splicing change, though in silico algorithms do notpredict Q1962X affects splicing (Xiong et al., 2014). This variant is predicted to cause loss of normalprotein function either through protein truncation or nonsense-mediated mRNA decay. The Q1962Xvariant was not observed in approximately 6500 individuals of European and African American ancestryin the NHLBI Exome Sequencing Project, indicating it is not a common variant in these populations. Weinterpret Q1962X as a pathogenic variant.

Counsyl
Classification: Pathogenic for Autosomal recessive limb-girdle muscular dystrophy type 2B. Last evaluated: 2017-07-28. Review status: no assertion criteria provided. Collection method: clinical testing. Allele origin: unknown. Not counted in ClinVar's aggregate classification.

Literature cited by the submitters: PubMed 21816046 (cited by Natera, Inc.); PubMed 27647186 (cited by Natera, Inc. and Counsyl); PubMed 17698709 (cited by Labcorp Genetics (formerly Invitae), Labcorp); PubMed 20301480 (cited by Labcorp Genetics (formerly Invitae), Labcorp); PubMed 20544924 (cited by Labcorp Genetics (formerly Invitae), Labcorp and Counsyl).

NM_001130987.2(DYSF):c.6001C>T (p.Gln2001Ter)

Gene: DYSF (dysferlin; plus strand). Cytogenetic location: 2p13.2.
Variant type: single nucleotide variant.
Coding change: c.6001C>T on transcript NM_001130987.2 (MANE Select); coding-DNA position 6001, C replaced by T.
Protein change: p.Gln2001Ter; replaces glutamine 2001 with a stop codon.
Molecular consequence: nonsense.
Genome position (GRCh38, 1-based): chr2:71,679,173, C>T. VCF-style: chr2-71679173-C-T. GRCh37 (hg19) VCF-style: chr2-71906303-C-T.
Other names: c.5905C>T, p.Gln1969Ter (NM_001130977.2); c.5947C>T, p.Gln1983Ter (NM_001130978.2); c.5977C>T, p.Gln1993Ter (NM_001130979.2); c.5935C>T, p.Gln1979Ter (NM_001130980.2); c.5998C>T, p.Gln2000Ter (NM_001130981.2); c.5980C>T, p.Gln1994Ter (NM_001130982.2); c.5950C>T, p.Gln1984Ter (NM_001130983.2); c.5908C>T, p.Gln1970Ter (NM_001130984.2); and 5 more; short protein forms Q1962*, Q2001*, Q1963*, Q1969*, Q1949*, Q1980*, Q1983*, Q1993*.
Identifiers: ClinVar variation 419655 (VCV000419655.23), dbSNP rs1064794020, ClinGen allele CA16617750.